The following is an entry in ClinVar:

NM_001123385.2(BCOR):c.2664C>A (p.Asn888Lys)

Gene: BCOR (BCL6 corepressor; minus strand). Cytogenetic location: Xp11.4.
Variant type: single nucleotide variant.
Coding change: c.2664C>A on transcript NM_001123385.2 (MANE Select); coding-DNA position 2664, C replaced by A.
Protein change: p.Asn888Lys; replaces asparagine 888 with lysine.
Molecular consequence: missense variant.
Genome position (GRCh38, 1-based): chrX:40,072,682, G>T on the plus strand (C>A on the coding strand, the complement: BCOR is on the minus strand). VCF-style: chrX-40072682-G-T. GRCh37 (hg19) VCF-style: chrX-39931935-G-T.
Other names: c.2664C>A, p.Asn888Lys (NM_001123383.2, NM_001123384.2, NM_017745.6); short protein forms N888K.
Identifiers: ClinVar variation 1041026 (VCV001041026.8), dbSNP rs1935534815, ClinGen allele CA412742115.

ClinVar aggregate classification (germline): Uncertain significance (1 of 4 stars; one submission).

Conditions:
Oculofaciocardiodental syndrome (MCOPS2). Identifiers: Orphanet 2712, MedGen C1846265, MONDO:0010261, OMIM 300166.

Submission:

Labcorp Genetics (formerly Invitae), Labcorp
Classification: Uncertain significance for Oculofaciocardiodental syndrome. Last evaluated: 2020-07-14. Review status: criteria provided, single submitter. Criteria: Invitae Variant Classification Sherloc (09022015). Collection method: clinical testing. Allele origin: germline.
Comment: In summary, the available evidence is currently insufficient to determine the role of this variant in disease. Therefore, it has been classified as a Variant of Uncertain Significance. Algorithms developed to predict the effect of missense changes on protein structure and function are either unavailable or do not agree on the potential impact of this missense change (SIFT: "Deleterious"; PolyPhen-2: "Benign"; Align-GVGD: "Class C25"). This variant has not been reported in the literature in individuals with BCOR-related conditions. This variant is not present in population databases (ExAC no frequency). This sequence change replaces asparagine with lysine at codon 888 of the BCOR protein (p.Asn888Lys). The asparagine residue is moderately conserved and there is a moderate physicochemical difference between asparagine and lysine.